The following is an entry in ClinVar:

ClinVar aggregate classification (germline): Pathogenic (1 of 4 stars; one submission).

Conditions:
RAPSN-related disorder. Also called: RAPSN-related condition; RAPSN-related disorders. Identifiers: MedGen CN239397.

Submission:

Myriad Genetics, Inc.
Classification: Pathogenic for RAPSN-related disorder. Last evaluated: 2024-05-14. Review status: criteria provided, single submitter. Criteria: Myriad Autosomal Dominant, Autosomal Recessive and X-Linked Classification Criteria (2023). Collection method: clinical testing. Allele origin: unknown.
Comment: NM_005055.4(RAPSN):c.172dupC(R58Pfs*100) is expected to be pathogenic in the context of RAPSN-related disorders. This variant is predicted to lead to an abnormal or absent protein product due to the creation of a premature termination codon in RAPSN, a gene where loss-of-function variants are known to be pathogenic. Please note: this variant was assessed in the context of healthy population screening.

NM_005055.5(RAPSN):c.172dup (p.Arg58fs)

Gene: RAPSN (receptor associated protein of the synapse; minus strand). Cytogenetic location: 11p11.2.
Variant type: Duplication.
Coding change: c.172dup on transcript NM_005055.5 (MANE Select); coding-DNA position 172, one base duplicated (C; older notation c.172dupC).
Protein change: p.Arg58fs; shifts the reading frame from arginine 58.
Molecular consequence: frameshift variant.
Genome position (GRCh38, 1-based): chr11:47,448,793, G duplicated on the plus strand (C on the coding strand, the reverse complement: RAPSN is on the minus strand); the first of 2 consecutive G bases (chr11:47,448,793-47,448,794); duplicating either gives the same sequence. VCF-style (leftmost placement, unchanged base first): chr11-47448792-C-CG. GRCh37 (hg19) VCF-style: chr11-47470344-C-CG.
Other names: c.172dup, p.Arg58fs (NM_001440490.1, NM_001440491.1, NM_001440492.1 and 13 more transcripts); short protein forms R58fs.
Identifiers: ClinVar variation 5010358 (VCV005010358.1).